The following is an entry in ClinVar:

NM_022114.4(PRDM16):c.3270G>A (p.Thr1090=)

Gene: PRDM16 (PR/SET domain 16; plus strand). Cytogenetic location: 1p36.32.
Variant type: single nucleotide variant.
Coding change: c.3270G>A on transcript NM_022114.4 (MANE Select); coding-DNA position 3270, G replaced by A.
Protein change: p.Thr1090=; no amino-acid change (threonine 1090 retained).
Molecular consequence: synonymous variant.
Genome position (GRCh38, 1-based): chr1:3,426,211, G>A. VCF-style: chr1-3426211-G-A. GRCh37 (hg19) VCF-style: chr1-3342775-G-A.
Other names: c.3270G>A, p.Thr1090= (NM_199454.3).
Identifiers: ClinVar variation 413871 (VCV000413871.55), dbSNP rs375314464, ClinGen allele CA544790.

ClinVar aggregate classification (germline): Conflicting classifications of pathogenicity. Review status: criteria provided, conflicting classifications (1 of 4 stars). 4 submissions from 4 submitters: Uncertain significance (1); Likely benign (3). Last evaluated 2025-12-15.

Conditions:
Left ventricular noncompaction 8 (LVNC8). Identifiers: Orphanet 154, Orphanet 54260, MedGen C3809288, MONDO:0014152, OMIM 615373.

Allele frequency attached by ClinVar (database versions not stated): gnomAD exomes 0.00001; ExAC 0.00002; TOPMed 0.00002; gnomAD 0.00003 and 0.00004; ESP Exome Variant Server 0.00008.
gnomAD v4.1: 24 of 1,613,210 alleles (0.0015%); highest among the groups gnomAD compares: East Asian, 0.0089%; no homozygotes.

Submissions (4):

Labcorp Genetics (formerly Invitae), Labcorp
Classification: Likely benign for Left ventricular noncompaction 8. Last evaluated: 2025-12-15. Review status: criteria provided, single submitter. Criteria: Invitae Variant Classification Sherloc (09022015). Collection method: clinical testing. Allele origin: germline.

Blueprint Genetics
Classification: Likely benign. Last evaluated: 2022-05-02. Review status: criteria provided, single submitter. Criteria: ACMG Guidelines, 2015. Collection method: clinical testing. Allele origin: germline.

GeneDx
Classification: Likely benign. Last evaluated: 2019-11-21. Review status: criteria provided, single submitter. Criteria: GeneDx Variant Classification Process June 2021. Collection method: clinical testing. Allele origin: germline. Affected: yes.
Comment: This variant is associated with the following publications: (PMID: 25790293)

CeGaT Center for Human Genetics Tuebingen
Classification: Uncertain significance. Last evaluated: 2016-06-01. Review status: criteria provided, single submitter. Criteria: CeGaT Center For Human Genetics Tuebingen Variant Classification Criteria Version 2. Collection method: clinical testing. Allele origin: germline. Affected: yes. Observed: 1 variant allele.